The following is an entry in ClinVar:

NM_012318.3(LETM1):c.465G>A (p.Gln155=)

Gene: LETM1 (leucine zipper and EF-hand containing transmembrane protein 1; minus strand). Cytogenetic location: 4p16.3.
Variant type: single nucleotide variant.
Coding change: c.465G>A on transcript NM_012318.3 (MANE Select); coding-DNA position 465, G replaced by A.
Protein change: p.Gln155=; no amino-acid change (glutamine 155 retained).
Molecular consequence: synonymous variant.
Genome position (GRCh38, 1-based): chr4:1,841,476, C>T on the plus strand (G>A on the coding strand, the complement: LETM1 is on the minus strand). VCF-style: chr4-1841476-C-T. GRCh37 (hg19) VCF-style: chr4-1843203-C-T.
Identifiers: ClinVar variation 3765800 (VCV003765800.1).

ClinVar aggregate classification (germline): Uncertain significance (1 of 4 stars; one submission).

gnomAD v4.1: 7 of 1,614,144 alleles (0.00043%); highest among the groups gnomAD compares: African/African-American, 0.0013%; no homozygotes.

Submission:

Greenwood Genetic Center Diagnostic Laboratories, Greenwood Genetic Center
Classification: Uncertain significance. Last evaluated: 2024-12-03. Review status: criteria provided, single submitter. Criteria: ACMG Guidelines, 2015. Collection method: clinical testing. Allele origin: germline. Affected: yes.
Comment: PM2